The following is an entry in ClinVar:

ClinVar aggregate classification (germline): Likely pathogenic (1 of 4 stars; one submission).

Conditions:
Developmental and epileptic encephalopathy, 54. Also called: HNRNPU-Related Neurodevelopmental Disorder; Epileptic encephalopathy, early infantile, 54. Identifiers: MedGen C4479319, MONDO:0033363, OMIM 617391.

Submission:

Labcorp Genetics (formerly Invitae), Labcorp
Classification: Likely pathogenic for Developmental and epileptic encephalopathy, 54. Last evaluated: 2022-01-20. Review status: criteria provided, single submitter. Criteria: Invitae Variant Classification Sherloc (09022015). Collection method: clinical testing. Allele origin: germline.
Comment: In summary, the currently available evidence indicates that the variant is pathogenic, but additional data are needed to prove that conclusively. Therefore, this variant has been classified as Likely Pathogenic. This variant has not been reported in the literature in individuals affected with HNRNPU-related conditions. This variant results in the deletion of exons 2-3 and part of exon 1 (c.34_877+13del) of the HNRNPU gene. It is expected to disrupt RNA splicing. Variants that disrupt the donor or acceptor splice site typically lead to a loss of protein function (PMID: 16199547), and loss-of-function variants in HNRNPU are known to be pathogenic (PMID: 22678713, 28283832).

Literature cited by the submitters: PubMed 16199547; PubMed 22678713; PubMed 28283832.

NC_000001.10:g.(?_245025750)_(245027576_?)del

Gene: HNRNPU (heterogeneous nuclear ribonucleoprotein U; minus strand). Cytogenetic location: 1q44.
Variant type: Deletion.
Identifiers: ClinVar variation 2426986 (VCV002426986.4).